The following is an entry in ClinVar:

ClinVar aggregate classification (germline): Uncertain significance. Review status: criteria provided, multiple submitters, no conflicts (2 of 4 stars). 2 submissions from 2 submitters: Uncertain significance (2). Last evaluated 2025-10-15.

Conditions:
Hereditary cancer-predisposing syndrome. Also called: Tumor predisposition; Hereditary neoplastic syndrome; Neoplastic Syndromes, Hereditary; Hereditary Cancer Syndrome. Identifiers: Orphanet 140162, MedGen C0027672, MeSH D009386, MONDO:0015356.
Familial cancer of breast. Also called: Hereditary breast cancer; hereditary breast carcinoma; BREAST CANCER, FAMILIAL. Identifiers: Orphanet 227535, MedGen C0346153, MONDO:0016419, OMIM 114480. Disease mechanism: loss of function.

Submissions (2):

Labcorp Genetics (formerly Invitae), Labcorp
Classification: Uncertain significance for Familial cancer of breast. Last evaluated: 2025-10-15. Review status: criteria provided, single submitter. Criteria: Invitae Variant Classification Sherloc (09022015). Collection method: clinical testing. Allele origin: germline.
Comment: This sequence change falls in intron 3 of the CHEK2 gene. It does not directly change the encoded amino acid sequence of the CHEK2 protein. It affects a nucleotide within the consensus splice site. This variant is not present in population databases (gnomAD no frequency). This variant has not been reported in the literature in individuals affected with CHEK2-related conditions. ClinVar contains an entry for this variant (Variation ID: 4002274). Variants that disrupt the consensus splice site are a relatively common cause of aberrant splicing (PMID: 17576681, 9536098). Algorithms developed to predict the effect of sequence changes on RNA splicing suggest that this variant may disrupt the consensus splice site. In summary, the available evidence is currently insufficient to determine the role of this variant in disease. Therefore, it has been classified as a Variant of Uncertain Significance.

Ambry Genetics
Classification: Uncertain significance for Hereditary cancer-predisposing syndrome. Last evaluated: 2025-06-02. Review status: criteria provided, single submitter. Criteria: Ambry Variant Classification Scheme 2023. Collection method: clinical testing. Allele origin: germline.
Comment: The c.445-3T>G intronic variant results from a T to G substitution 3 nucleotides upstream from coding exon 3 in the CHEK2 gene. This nucleotide position is well conserved in available vertebrate species. In silico splice site analysis predicts that this alteration will weaken the native splice acceptor site. Based on the available evidence, the clinical significance of this variant remains unclear.

Literature cited by the submitters: PubMed 17576681 (cited by Labcorp Genetics (formerly Invitae), Labcorp); PubMed 9536098 (cited by Labcorp Genetics (formerly Invitae), Labcorp).

NM_007194.4(CHEK2):c.445-3T>G

Gene: CHEK2 (checkpoint kinase 2; minus strand). Cytogenetic location: 22q12.1.
Variant type: single nucleotide variant.
Coding change: c.445-3T>G on transcript NM_007194.4 (MANE Select); 3 bases into the intron before coding-DNA position 445, T replaced by G.
Molecular consequence: intron variant.
Genome position (GRCh38, 1-based): chr22:28,725,127, A>C on the plus strand (T>G on the coding strand, the complement: CHEK2 is on the minus strand). VCF-style: chr22-28725127-A-C. GRCh37 (hg19) VCF-style: chr22-29121115-A-C.
Other names: c.-219-3T>G (NM_001437942.1); c.444+116T>G (NM_001349956.3); c.445-3T>G (NM_145862.3); c.-333-3T>G (NM_001257387.3); c.538-3T>G (NM_001438295.1, NM_001438293.1); c.574-3T>G (NM_001438294.1, NM_001005735.3).
Identifiers: ClinVar variation 4002274 (VCV004002274.2).